The following is an entry in ClinVar:

NM_001386298.1(CIC):c.6280G>A (p.Ala2094Thr)

Gene: CIC (capicua transcriptional repressor; plus strand). Cytogenetic location: 19q13.2.
Variant type: single nucleotide variant.
Coding change: c.6280G>A on transcript NM_001386298.1 (MANE Select); coding-DNA position 6280, G replaced by A.
Protein change: p.Ala2094Thr; replaces alanine 2094 with threonine.
Molecular consequence: missense variant.
Genome position (GRCh38, 1-based): chr19:42,293,039, G>A. VCF-style: chr19-42293039-G-A. GRCh37 (hg19) VCF-style: chr19-42797191-G-A.
Other names: c.6280G>A, p.Ala2094Thr (NM_001304815.2, NM_001379482.1); c.6277G>A, p.Ala2093Thr (NM_001379480.1); c.3553G>A, p.Ala1185Thr (NM_001379484.1, NM_001379485.1, NM_015125.5); short protein forms A1185T, A2094T, A2093T.
Identifiers: ClinVar variation 133911 (VCV000133911.2), dbSNP rs587778202, ClinGen allele CA158140.

ClinVar aggregate classification (germline): Uncertain significance. Review status: criteria provided, single submitter (1 of 4 stars). 2 submissions from 2 submitters: Uncertain significance (1). 1 of the submissions does not count toward it. Last evaluated 2024-06-27.

Allele frequency attached by ClinVar (database versions not stated): gnomAD exomes below 0.00001 and 0.00001; gnomAD 0.00001; TOPMed 0.00001; ExAC 0.00002.
gnomAD v4.1: 5 of 1,612,896 alleles (0.00031%); highest among the groups gnomAD compares: Non-Finnish European, 0.00042%; no homozygotes.

Submissions (2):

Women's Health and Genetics/Laboratory Corporation of America, LabCorp
Classification: Uncertain significance. Last evaluated: 2024-06-27. Review status: criteria provided, single submitter. Criteria: LabCorp Variant Classification Summary - May 2015. Collection method: clinical testing. Allele origin: germline.
Comment: Variant summary: CIC c.3553G>A (p.Ala1185Thr) results in a non-conservative amino acid change in the encoded protein sequence. Three of five in-silico tools predict a damaging effect of the variant on protein function. The variant allele was found at a frequency of 8.1e-06 in 246310 control chromosomes. The available data on variant occurrences in the general population are insufficient to allow any conclusion about variant significance. To our knowledge, no occurrence of c.3553G>A in individuals affected with Mental Retardation, Autosomal Dominant 45 and no experimental evidence demonstrating its impact on protein function have been reported. ClinVar contains an entry for this variant (Variation ID: 133911). Based on the evidence outlined above, the variant was classified as uncertain significance.

ITMI
No classification provided. Condition: AllHighlyPenetrant. Last evaluated: 2013-09-19. Review status: no classification provided. Collection method: reference population. Allele origin: germline. Not counted in ClinVar's aggregate classification.
Comment: Please see associated publication for description of ethnicities

Literature cited by the submitters: PubMed 24728327 (cited by ITMI).